The following is an entry in ClinVar:

ClinVar aggregate classification (germline): Uncertain significance (1 of 4 stars; one submission).

Allele frequency attached by ClinVar (database versions not stated): gnomAD exomes below 0.00001; gnomAD 0.00001.
gnomAD v4.1: 2 of 1,614,096 alleles (0.00012%); highest among the groups gnomAD compares: East Asian, 0.0022%; no homozygotes.

Submission:

Labcorp Genetics (formerly Invitae), Labcorp
Classification: Uncertain significance. Last evaluated: 2024-01-04. Review status: criteria provided, single submitter. Criteria: Invitae Variant Classification Sherloc (09022015). Collection method: clinical testing. Allele origin: germline.
Comment: This sequence change replaces alanine, which is neutral and non-polar, with valine, which is neutral and non-polar, at codon 1992 of the SRCAP protein (p.Ala1992Val). This variant is present in population databases (no rsID available, gnomAD 0.06%). This variant has not been reported in the literature in individuals affected with SRCAP-related conditions. Advanced modeling of protein sequence and biophysical properties (such as structural, functional, and spatial information, amino acid conservation, physicochemical variation, residue mobility, and thermodynamic stability) performed at Invitae indicates that this missense variant is not expected to disrupt SRCAP protein function with a negative predictive value of 80%. In summary, the available evidence is currently insufficient to determine the role of this variant in disease. Therefore, it has been classified as a Variant of Uncertain Significance.

NM_006662.3(SRCAP):c.5975C>T (p.Ala1992Val)

Gene: SRCAP (Snf2 related CREBBP activator protein; plus strand). Cytogenetic location: 16p11.2.
Variant type: single nucleotide variant.
Coding change: c.5975C>T on transcript NM_006662.3 (MANE Select); coding-DNA position 5975, C replaced by T.
Protein change: p.Ala1992Val; replaces alanine 1992 with valine.
Molecular consequence: missense variant.
Genome position (GRCh38, 1-based): chr16:30,729,420, C>T. VCF-style: chr16-30729420-C-T. GRCh37 (hg19) VCF-style: chr16-30740741-C-T.
Other names: short protein forms A1992V.
Identifiers: ClinVar variation 2980786 (VCV002980786.3), dbSNP rs1346357941, ClinGen allele CA395621997.
Genomic context (GRCh38, chr16:30,729,420, plus strand): 5'-CCTTTCACAGGTTCATCTTTGTCATGCCTCCTGTGGAGGCACCTCCCCCTTCCCTGCATG[C>T]CTGCCACCCACCTCCTTGGCTGGCCCCACGTCAGGCAGCCTTCCAGGAGCAATTGGCCTC-3'
Protein context (NP_006653.2, residues 1982-2002): PVEAPPPSLH[Ala1992Val]CHPPPWLAPR